The following is an entry in ClinVar:

NM_001130144.3(LTBP3):c.136G>T (p.Ala46Ser)

Gene: LTBP3 (latent transforming growth factor beta binding protein 3; minus strand). Cytogenetic location: 11q13.1.
Variant type: single nucleotide variant.
Coding change: c.136G>T on transcript NM_001130144.3 (MANE Select); coding-DNA position 136, G replaced by T.
Protein change: p.Ala46Ser; replaces alanine 46 with serine.
Molecular consequence: missense variant. On other transcripts: 5 prime UTR variant (1).
Genome position (GRCh38, 1-based): chr11:65,557,824, C>A on the plus strand (G>T on the coding strand, the complement: LTBP3 is on the minus strand). VCF-style: chr11-65557824-C-A. GRCh37 (hg19) VCF-style: chr11-65325295-C-A.
Other names: c.-212G>T (NM_001164266.1); c.136G>T, p.Ala46Ser (NM_021070.4); short protein forms A46S.
Identifiers: ClinVar variation 1434221 (VCV001434221.8), dbSNP rs766420288, ClinGen allele CA6101291.

ClinVar aggregate classification (germline): Uncertain significance (1 of 4 stars; one submission).

Conditions:
Brachyolmia-amelogenesis imperfecta syndrome. Also called: Tooth agenesis, selective, 6; Dental anomalies and short stature; PLATYSPONDYLY WITH AMELOGENESIS IMPERFECTA. Identifiers: Orphanet 2899, MedGen C1832594, MONDO:0011018, OMIM 601216. Disease mechanism: loss of function.

Allele frequency attached by ClinVar (database versions not stated): gnomAD exomes below 0.00001 and 0.00001; TOPMed below 0.00001.
gnomAD v4.1: 6 of 1,472,390 alleles (0.00041%); highest among the groups gnomAD compares: Non-Finnish European, 0.00045%; no homozygotes.

Submission:

Labcorp Genetics (formerly Invitae), Labcorp
Classification: Uncertain significance for Brachyolmia-amelogenesis imperfecta syndrome. Last evaluated: 2021-06-18. Review status: criteria provided, single submitter. Criteria: Invitae Variant Classification Sherloc (09022015). Collection method: clinical testing. Allele origin: germline.
Comment: Algorithms developed to predict the effect of missense changes on protein structure and function are either unavailable or do not agree on the potential impact of this missense change (SIFT: "Deleterious"; PolyPhen-2: "Not Available"; Align-GVGD: "Class C0"). In summary, the available evidence is currently insufficient to determine the role of this variant in disease. Therefore, it has been classified as a Variant of Uncertain Significance. This variant has not been reported in the literature in individuals affected with LTBP3-related conditions. The frequency data for this variant in the population databases is considered unreliable, as metrics indicate poor data quality at this position in the ExAC database. This sequence change replaces alanine with serine at codon 46 of the LTBP3 protein (p.Ala46Ser). The alanine residue is moderately conserved and there is a moderate physicochemical difference between alanine and serine.